The following is an entry in ClinVar:

ClinVar aggregate classification (germline): Uncertain significance. Review status: criteria provided, multiple submitters, no conflicts (2 of 4 stars). 2 submissions from 2 submitters: Uncertain significance (2). Last evaluated 2025-11-11.

Allele frequency attached by ClinVar (database versions not stated): gnomAD 0.00002 and 0.00003; TOPMed 0.00003; ESP Exome Variant Server 0.00008; ExAC 0.00009; gnomAD exomes 0.00009; 1000 Genomes Project 0.00020; 1000 Genomes Project 30x 0.00031.
gnomAD v4.1: 50 of 1,613,910 alleles (0.0031%); highest among the groups gnomAD compares: East Asian, 0.02%; no homozygotes.

Submissions (2):

Labcorp Genetics (formerly Invitae), Labcorp
Classification: Uncertain significance. Last evaluated: 2025-11-11. Review status: criteria provided, single submitter. Criteria: Invitae Variant Classification Sherloc (09022015). Collection method: clinical testing. Allele origin: germline.
Comment: This sequence change replaces threonine, which is neutral and polar, with methionine, which is neutral and non-polar, at codon 141 of the PALM protein (p.Thr141Met). This variant is present in population databases (rs377577439, gnomAD 0.04%). This variant has not been reported in the literature in individuals affected with PALM-related conditions. ClinVar contains an entry for this variant (Variation ID: 1447925). An algorithm developed to predict the effect of missense changes on protein structure and function (PolyPhen-2) suggests that this variant is likely to be disruptive. In summary, the available evidence is currently insufficient to determine the role of this variant in disease. Therefore, it has been classified as a Variant of Uncertain Significance.

Ambry Genetics
Classification: Uncertain significance. Last evaluated: 2023-06-30. Review status: criteria provided, single submitter. Criteria: Ambry Variant Classification Scheme 2023. Collection method: clinical testing. Allele origin: germline.

NM_002579.3(PALM):c.422C>T (p.Thr141Met)

Gene: PALM (paralemmin; plus strand). Cytogenetic location: 19p13.3.
Variant type: single nucleotide variant.
Coding change: c.422C>T on transcript NM_002579.3 (MANE Select); coding-DNA position 422, C replaced by T.
Protein change: p.Thr141Met; replaces threonine 141 with methionine.
Molecular consequence: missense variant.
Genome position (GRCh38, 1-based): chr19:734,174, C>T. VCF-style: chr19-734174-C-T. GRCh37 (hg19) VCF-style: chr19-734174-C-T.
Other names: c.422C>T, p.Thr141Met (NM_001040134.2); c.422C>T (NM_002579.2); short protein forms T141M.
Identifiers: ClinVar variation 1447925 (VCV001447925.9), dbSNP rs377577439, ClinGen allele CA9022583.
Genomic context (GRCh38, chr19:734,174, plus strand): 5'-TCCCCTTCCTCTTCCCGGGGATGCTGACGCCCCTGACCCTTCTCTCTTCTTTCTTGCAGA[C>T]GCCGGTGGGCACGCCCAAAGGTAGGACCTCTGGAAGGAACTCGTGGGGCCTCGGCGCACT-3'
Protein context (NP_002570.2, residues 131-151): KTEVVMNSQQ[Thr141Met]PVGTPKDKRV